The following is an entry in ClinVar:

NM_000059.4(BRCA2):c.535C>G (p.His179Asp)

Gene: BRCA2 (BRCA2 DNA repair associated; plus strand). Cytogenetic location: 13q13.1.
Variant type: single nucleotide variant.
Coding change: c.535C>G on transcript NM_000059.4 (MANE Select); coding-DNA position 535, C replaced by G.
Protein change: p.His179Asp; replaces histidine 179 with aspartic acid.
Molecular consequence: missense variant. On other transcripts: non-coding transcript variant (1).
Genome position (GRCh38, 1-based): chr13:32,326,517, C>G. VCF-style: chr13-32326517-C-G. GRCh37 (hg19) VCF-style: chr13-32900654-C-G.
Other names: c.535C>G, p.His179Asp (NM_001406719.1, NM_001406720.1, NM_001406721.1 and 1 more transcripts); c.166C>G, p.His56Asp (NM_001406722.1); short protein forms H179D, H56D.
Identifiers: ClinVar variation 3896634 (VCV003896634.2).

ClinVar aggregate classification (germline): Uncertain significance (1 of 4 stars; one submission).

Submission:

Women's Health and Genetics/Laboratory Corporation of America, LabCorp
Classification: Uncertain significance. Last evaluated: 2025-04-25. Review status: criteria provided, single submitter. Criteria: LabCorp Variant Classification Summary - May 2015. Collection method: clinical testing. Allele origin: germline.
Comment: Variant summary: BRCA2 c.535C>G (p.His179Asp) results in a non-conservative amino acid change in the encoded protein sequence. Four of five in-silico tools predict a benign effect of the variant on protein function. The variant was absent in 251410 control chromosomes. The available data on variant occurrences in the general population are insufficient to allow any conclusion about variant significance. To our knowledge, no occurrence of c.535C>G in individuals affected with Hereditary Breast And Ovarian Cancer Syndrome and no experimental evidence demonstrating its impact on protein function have been reported. No submitters have cited clinical-significance assessments for this variant to ClinVar. Based on the evidence outlined above, the variant was classified as uncertain significance.